The following is an entry in ClinVar:

NM_015419.4(MXRA5):c.436G>A (p.Ala146Thr)

Gene: MXRA5 (matrix remodeling associated 5; minus strand). Cytogenetic location: Xp22.33.
Variant type: single nucleotide variant.
Coding change: c.436G>A on transcript NM_015419.4 (MANE Select); coding-DNA position 436, G replaced by A.
Protein change: p.Ala146Thr; replaces alanine 146 with threonine.
Molecular consequence: missense variant.
Genome position (GRCh38, 1-based): chrX:3,330,291, C>T on the plus strand (G>A on the coding strand, the complement: MXRA5 is on the minus strand). VCF-style: chrX-3330291-C-T. GRCh37 (hg19) VCF-style: chrX-3248332-C-T.
Other names: short protein forms A146T.
Identifiers: ClinVar variation 5039806 (VCV005039806.1).

ClinVar aggregate classification (germline): Uncertain significance (1 of 4 stars; one submission).

Submission:

CeGaT Center for Human Genetics Tuebingen
Classification: Uncertain significance. Last evaluated: 2026-08-01. Review status: criteria provided, single submitter. Criteria: CeGaT Center For Human Genetics Tuebingen Variant Classification Criteria Version 2. Collection method: clinical testing. Allele origin: germline. Affected: yes. Observed: 1 variant allele.
Comment: MXRA5: PM2